The following is an entry in ClinVar:

NM_033004.4(NLRP1):c.1951A>G (p.Ile651Val)

Gene: NLRP1 (NLR family pyrin domain containing 1; minus strand). Cytogenetic location: 17p13.2.
Variant type: single nucleotide variant.
Coding change: c.1951A>G on transcript NM_033004.4 (MANE Select); coding-DNA position 1951, A replaced by G.
Protein change: p.Ile651Val; replaces isoleucine 651 with valine.
Molecular consequence: missense variant.
Genome position (GRCh38, 1-based): chr17:5,558,745, T>C on the plus strand (A>G on the coding strand, the complement: NLRP1 is on the minus strand). VCF-style: chr17-5558745-T-C. GRCh37 (hg19) VCF-style: chr17-5462065-T-C.
Other names: c.1951A>G, p.Ile651Val (NM_001033053.3, NM_014922.5, NM_033006.4 and 1 more transcripts); short protein forms I651V.
Identifiers: ClinVar variation 1721934 (VCV001721934.5), dbSNP rs1255839116, ClinGen allele CA397384136.

ClinVar aggregate classification (germline): Uncertain significance (1 of 4 stars; one submission).

Allele frequency attached by ClinVar (database versions not stated): gnomAD exomes below 0.00001; TOPMed below 0.00001; gnomAD 0.00001.

Submission:

Labcorp Genetics (formerly Invitae), Labcorp
Classification: Uncertain significance. Last evaluated: 2022-10-20. Review status: criteria provided, single submitter. Criteria: Invitae Variant Classification Sherloc (09022015). Collection method: clinical testing. Allele origin: germline.
Comment: In summary, the available evidence is currently insufficient to determine the role of this variant in disease. Therefore, it has been classified as a Variant of Uncertain Significance. Algorithms developed to predict the effect of missense changes on protein structure and function (SIFT, PolyPhen-2, Align-GVGD) all suggest that this variant is likely to be tolerated. This variant has not been reported in the literature in individuals affected with NLRP1-related conditions. This variant is present in population databases (no rsID available, gnomAD 0.0009%). This sequence change replaces isoleucine, which is neutral and non-polar, with valine, which is neutral and non-polar, at codon 651 of the NLRP1 protein (p.Ile651Val).